The following is an entry in ClinVar:

NC_000011.9:g.(?_118390313)_(118550336_?)del

Genes: ARCN1 (archain 1 coat protein complex I subunit delta; plus strand), IFT46 (intraflagellar transport 46; minus strand), KMT2A (lysine methyltransferase 2A; plus strand), PHLDB1 (pleckstrin homology like domain family B member 1; plus strand), TMEM25 (transmembrane protein 25; plus strand) and 2 more. Cytogenetic location: 11q23.3.
Variant type: Deletion.
Identifiers: ClinVar variation 1410325 (VCV001410325.4).

ClinVar aggregate classification (germline): no classifications from unflagged records (0 of 4 stars; one submission).

Submission:

Labcorp Genetics (formerly Invitae), Labcorp
Classification: Uncertain significance. Last evaluated: 2021-04-09. Review status: flagged submission. Criteria: Invitae Variant Classification Sherloc (09022015). Collection method: clinical testing. Allele origin: germline.
Comment: In summary, the available evidence is currently insufficient to determine the role of this variant in disease. Therefore, it has been classified as a Variant of Uncertain Significance. Experimental studies and prediction algorithms are not available or were not evaluated, and the functional significance of this variant is currently unknown. This variant has not been reported in the literature in individuals with KMT2A-related conditions. This variant is a gross deletion of the genomic region encompassing exon(s) 32-36 of the KMT2A gene. The 5' boundary is likely confined to intron 31. The 3' end of this event is unknown as it extends through the termination codon beyond the assayed region for this gene and may encompass additional genes. While this deletion is not anticipated to lead to nonsense mediated decay, it is expected to alter mRNA translation or result in a truncated protein product.
ClinVar note: Notes: This submission was flagged because its interpretation of this variant conflicts with the ClinGen Gene Dosage Map curation for the gene ARCN1.
ClinVar note: Reason: Conflict with ClinGen Gene Dosage Map